The following is an entry in ClinVar:

ClinVar aggregate classification (germline): Pathogenic. Review status: criteria provided, multiple submitters, no conflicts (2 of 4 stars). 8 submissions from 8 submitters: Pathogenic (5). 3 of the submissions do not count toward it. Last evaluated 2024-09-21.

Conditions:
OTOF-related disorder. Also called: OTOF-related condition.
Nonsyndromic genetic hearing loss. Also called: Nonsyndromic hearing loss and deafness; Nonsyndromic genetic deafness; Non-syndromic genetic deafness. Identifiers: Orphanet 87884, MedGen C5680182, MONDO:0019497.
Autosomal recessive nonsyndromic hearing loss 9. Also called: NEUROSENSORY NONSYNDROMIC RECESSIVE DEAFNESS 9; AUDITORY NEUROPATHY, AUTOSOMAL RECESSIVE, 1, TEMPERATURE-SENSITIVE; OTOF-Related Hearing Loss; Deafness, autosomal recessive 9. Identifiers: Orphanet 90636, MedGen C1832828, MONDO:0010986, OMIM 601071.

Allele frequency attached by ClinVar (database versions not stated): TOPMed 0.00001.
gnomAD v4.1: 43 of 1,613,058 alleles (0.0027%); highest among the groups gnomAD compares: Admixed American, 0.0033%; no homozygotes.

Submissions (8):

Labcorp Genetics (formerly Invitae), Labcorp
Classification: Pathogenic. Last evaluated: 2024-09-21. Review status: criteria provided, single submitter. Criteria: Invitae Variant Classification Sherloc (09022015). Collection method: clinical testing. Allele origin: germline.
Comment: This sequence change replaces proline, which is neutral and non-polar, with arginine, which is basic and polar, at codon 490 of the OTOF protein (p.Pro490Arg). This variant is present in population databases (rs80356585, gnomAD 0.004%). This missense change has been observed in individuals with auditory neuropathy spectrum disorder and/or deafness (PMID: 27652356, 33426078, 33908410, 34424407). It has also been observed to segregate with disease in related individuals. ClinVar contains an entry for this variant (Variation ID: 48170). Invitae Evidence Modeling of protein sequence and biophysical properties (such as structural, functional, and spatial information, amino acid conservation, physicochemical variation, residue mobility, and thermodynamic stability) has been performed for this missense variant. However, the output from this modeling did not meet the statistical confidence thresholds required to predict the impact of this variant on OTOF protein function. For these reasons, this variant has been classified as Pathogenic.

GeneDx
Classification: Pathogenic. Last evaluated: 2024-05-13. Review status: criteria provided, single submitter. Criteria: GeneDx Variant Classification Process June 2021. Collection method: clinical testing. Allele origin: germline. Affected: yes.
Comment: Observed with a second OTOF variant in unrelated patients with hearing loss in published literature (PMID: 33426078, 33908410); In silico analysis supports that this missense variant has a deleterious effect on protein structure/function; Not observed at significant frequency in large population cohorts (gnomAD); This variant is associated with the following publications: (PMID: 37677959, 33426078, 33908410, 27652356, 34424407)

Blueprint Genetics
Classification: Pathogenic for OTOF-related disorders. Last evaluated: 2023-09-27. Review status: criteria provided, single submitter. Criteria: ACMG Guidelines, 2015. Collection method: clinical testing. Allele origin: germline. Affected: yes. Observed: 5 variant alleles.

Women's Health and Genetics/Laboratory Corporation of America, LabCorp
Classification: Pathogenic for Nonsyndromic genetic hearing loss. Last evaluated: 2023-01-16. Review status: criteria provided, single submitter. Criteria: LabCorp Variant Classification Summary - May 2015. Collection method: clinical testing. Allele origin: germline.
Comment: Variant summary: OTOF c.1469C>G (p.Pro490Arg) results in a non-conservative amino acid change located in the C2 domain (IPR000008) of the encoded protein sequence. Five of five in-silico tools predict a damaging effect of the variant on protein function. The variant allele was found at a frequency of 2e-05 in 250848 control chromosomes (gnomAD). c.1469C>G has been reported in the literature as a biallelic genotype in multiple individuals affected with Nonsyndromic Hearing Loss And Deafness, including at least one family in which it segregated with the disease phenotype (e.g. Al-Wardy_2016, Zhai_2020). These data indicate that the variant is very likely to be associated with disease. To our knowledge, no experimental evidence demonstrating an impact on protein function has been reported. No clinical diagnostic laboratories have submitted clinical-significance assessments for this variant to ClinVar after 2014. Based on the evidence outlined above, the variant was classified as pathogenic.

Genetics Research Center, University of Social Welfare and Rehabilitation Sciences
Classification: Pathogenic for Autosomal recessive nonsyndromic hearing loss 9. Review status: criteria provided, single submitter. Criteria: ACMG Guidelines, 2015. Collection method: research. Allele origin: germline. Affected: yes.
Comment: The variant is present in the gnomAD v2.1.1 dataset at a very low allele frequency (0.002%) and has been previously reported in individual(s) affected with OTOF-related hearing loss (PMID: 27652356, 33426078, 33908410, 34424407). It has also been observed to segregate with disease in related individuals. Multiple in silico prediction tools suggest that the variant is damaging to protein function.

Diagnosis and Treatment Center of Genetic Hearing Loss, Eye & ENT Hospital of Fudan University
Classification: Pathogenic for Autosomal recessive nonsyndromic hearing loss 9. Last evaluated: 2026-02-04. Review status: no assertion criteria provided. Collection method: clinical testing. Allele origin: germline. Inheritance: Autosomal recessive inheritance. Affected: yes. Not counted in ClinVar's aggregate classification.
Comment: The c.1469C>G missense variant in OTOF has a population frequency of 0.00002 (PM2_Supporting). It has been reported in at least five patients: three with a second pathogenic/likely pathogenic variant (c.[1469C>G];[3127-1G>A] in trans, c.[1469C>G];[4960G>A] in trans, c.1469C>G(;)5082dupC) with uncertain phasing and two homozygous (PM3_Strong). The REVEL score is 0.708 (PP3). (PMID: 37677959, 33426078, 34424407)

PreventionGenetics, part of Exact Sciences
Classification: Likely pathogenic for OTOF-related condition. Last evaluated: 2024-07-05. Review status: no assertion criteria provided. Collection method: clinical testing. Allele origin: germline. Not counted in ClinVar's aggregate classification.
Comment: The OTOF c.1469C>G variant is predicted to result in the amino acid substitution p.Pro490Arg. This variant has been reported in the homozygous or compound heterozygous state in individuals with auditory neuropathy (Al-Wardy et al. 2016. PubMed ID: 27652356; Zhai et al. 2020. PubMed ID: 33426078; Table S1A, Thorpe et al. 2021. PubMed ID: 34424407). Of note, another variant impacting the same amino acid (p.Pro490Gln) was reported in cis with another variant in OTOF (p.Ile515Thr), both in the homozygous state in four individuals from the same family, all with nonsyndromic autosomal recessive deafness (Mirghomizadeh et al. 2002. PubMed ID: 12127154). This variant is reported in 0.0044% of alleles in individuals of European (Non-Finnish) descent in gnomAD. This variant is interpreted as likely pathogenic.

Laboratory for Molecular Medicine, Mass General Brigham Personalized Medicine
Classification: Uncertain significance. Last evaluated: 2011-11-21. Review status: flagged submission. Criteria: LMM Criteria. Collection method: clinical testing. Allele origin: germline. Observed: 1 variant allele. Not counted in ClinVar's aggregate classification.
Comment: Variant classified as Uncertain Significance - Favor Pathogenic. The Pro490Arg i n OTOF variant has not been reported in the literature nor previously reported i n the laboratory. This residue is conserved across species and computational ana lyses (biochemical amino acid properties, homology, PolyPhen2, SIFT) suggest tha t the Pro490Arg variant may impact the protein. However, this information is not predictive enough to assume pathogenicity. Another variant at the same codon (P ro490Gln) has been reported in one Turkish family with profound hearing loss; ho wever, this variant was observed in cis with a second OTOF missense variant of u nknown significance in that family (Mighomizadeh 2002). The presence of this var iant in combination with a reported pathogenic variant and in this individual wh o has auditory neuropathy, increases the likelihood that the Pro490Arg variant i s pathogenic. In summary, the clinical significance of this variant cannot be de termined at this time; however, based upon the arguments described above, we wou ld lean towards a more likely pathogenic role.
ClinVar note: Reason: Older and outlier claim with insufficient supporting evidence

Literature cited by the submitters: PubMed 27652356 (cited by 3 submitters); PubMed 33426078 (cited by 4 submitters); PubMed 33908410 (cited by Labcorp Genetics (formerly Invitae), Labcorp and Genetics Research Center, University of Social Welfare and Rehabilitation Sciences); PubMed 34424407 (cited by 3 submitters); PubMed 37677959 (cited by Diagnosis and Treatment Center of Genetic Hearing Loss, Eye & ENT Hospital of Fudan University); PubMed 12127154 (cited by Laboratory for Molecular Medicine, Mass General Brigham Personalized Medicine).

NM_194248.3(OTOF):c.1469C>G (p.Pro490Arg)

Gene: OTOF (otoferlin; minus strand). Cytogenetic location: 2p23.3.
Variant type: single nucleotide variant.
Coding change: c.1469C>G on transcript NM_194248.3 (MANE Select); coding-DNA position 1469, C replaced by G.
Protein change: p.Pro490Arg; replaces proline 490 with arginine.
Molecular consequence: missense variant.
Genome position (GRCh38, 1-based): chr2:26,482,516, G>C on the plus strand (C>G on the coding strand, the complement: OTOF is on the minus strand). VCF-style: chr2-26482516-G-C. GRCh37 (hg19) VCF-style: chr2-26705384-G-C.
Other names: c.1469C>G, p.Pro490Arg (NM_001287489.2); short protein forms P490R.
Identifiers: ClinVar variation 48170 (VCV000048170.17), dbSNP rs80356585, ClinGen allele CA142742.